The following is an entry in ClinVar:

NM_001606.5(ABCA2):c.6753G>A (p.Ala2251=)

Gene: ABCA2 (ATP binding cassette subfamily A member 2; minus strand). Cytogenetic location: 9q34.3.
Variant type: single nucleotide variant.
Coding change: c.6753G>A on transcript NM_001606.5 (MANE Select); coding-DNA position 6753, G replaced by A.
Protein change: p.Ala2251=; no amino-acid change (alanine 2251 retained).
Molecular consequence: synonymous variant.
Genome position (GRCh38, 1-based): chr9:137,009,444, C>T on the plus strand (G>A on the coding strand, the complement: ABCA2 is on the minus strand). VCF-style: chr9-137009444-C-T. GRCh37 (hg19) VCF-style: chr9-139903896-C-T.
Other names: c.6750G>A, p.Ala2250= (NM_001411042.1); c.6843G>A, p.Ala2281= (NM_212533.3).
Identifiers: ClinVar variation 3257145 (VCV003257145.18).

ClinVar aggregate classification (germline): Likely benign. Review status: criteria provided, multiple submitters, no conflicts (2 of 4 stars). 2 submissions from 2 submitters: Likely benign (2). Last evaluated 2025-12-01.

gnomAD v4.1: 15 of 1,610,490 alleles (0.00093%); highest among the groups gnomAD compares: East Asian, 0.0045%; no homozygotes.

Submissions (2):

CeGaT Center for Human Genetics Tuebingen
Classification: Likely benign. Last evaluated: 2025-12-01. Review status: criteria provided, single submitter. Criteria: CeGaT Center For Human Genetics Tuebingen Variant Classification Criteria Version 2. Collection method: clinical testing. Allele origin: germline. Affected: yes. Observed: 2 variant alleles.
Comment: ABCA2: BP4, BP7

Blueprint Genetics
Classification: Likely benign. Last evaluated: 2024-09-18. Review status: criteria provided, single submitter. Criteria: ACMG Guidelines, 2015. Collection method: clinical testing. Allele origin: germline.